The following is an entry in ClinVar:

ClinVar aggregate classification (germline): Pathogenic. Review status: reviewed by expert panel (3 of 4 stars). 5 submissions from 5 submitters: Pathogenic (1). 4 of the submissions do not count toward it. Last evaluated 2016-10-18.

Conditions:
Inherited breast cancer and ovarian cancer.
Hereditary breast ovarian cancer syndrome. Also called: Hereditary breast and ovarian cancer syndrome (HBOC); Hereditary breast and ovarian cancer syndrome; Hereditary breast and ovarian cancer; Hereditary breast and/or ovarian cancer syndrome; Breast and ovarian cancer; BRCA1- and BRCA2-Associated Hereditary Breast and Ovarian Cancer. Identifiers: Orphanet 145, MedGen C0677776, MeSH D061325, MONDO:0003582. Disease mechanism: loss of function.
Breast-ovarian cancer, familial, susceptibility to, 2 (BROVCA2). Also called: BRCA2 Hereditary Breast and Ovarian Cancer. Identifiers: Orphanet 145, MedGen C2675520, MONDO:0012933, OMIM 612555. Disease mechanism: loss of function.
Breast-ovarian cancer, familial, susceptibility to, 1 (BROVCA1). Also called: OVARIAN CANCER, SUSCEPTIBILITY TO; BRCA1 Hereditary Breast and Ovarian Cancer. Identifiers: Orphanet 145, MedGen C2676676, MONDO:0011450, OMIM 604370. Disease mechanism: loss of function.

Submissions (5):

Evidence-based Network for the Interpretation of Germline Mutant Alleles (ENIGMA)
Classification: Pathogenic for Breast-ovarian cancer, familial, susceptibility to, 2. Last evaluated: 2016-10-18. Review status: reviewed by expert panel. Criteria: ENIGMA BRCA1/2 Classification Criteria (2015). Collection method: curation. Allele origin: germline.
Comment: Variant allele predicted to encode a truncated non-functional protein.

Cambridge Genomics Laboratory, East Genomic Laboratory Hub, NHS Genomic Medicine Service
Classification: Pathogenic for Inherited breast cancer and ovarian cancer. Last evaluated: 2025-06-04. Review status: criteria provided, single submitter. Criteria: ACGS Best Practice Guidelines for Variant Classification in Rare Disease 2020. Collection method: clinical testing. Allele origin: germline. Affected: yes. Not counted in ClinVar's aggregate classification.
Comment: PVS1,PM2,PM5_Strong

Labcorp Genetics (formerly Invitae), Labcorp
Classification: Pathogenic for Hereditary breast ovarian cancer syndrome. Last evaluated: 2025-05-15. Review status: criteria provided, single submitter. Criteria: Invitae Variant Classification Sherloc (09022015). Collection method: clinical testing. Allele origin: germline. Not counted in ClinVar's aggregate classification.
Comment: This sequence change creates a premature translational stop signal (p.Gln2435*) in the BRCA2 gene. It is expected to result in an absent or disrupted protein product. Loss-of-function variants in BRCA2 are known to be pathogenic (PMID: 20104584). This variant is not present in population databases (gnomAD no frequency). This premature translational stop signal has been observed in individual(s) with breast and/or ovarian cancer (PMID: 21232165). ClinVar contains an entry for this variant (Variation ID: 52305). For these reasons, this variant has been classified as Pathogenic.

Department of Molecular Diagnostics, Institute of Oncology Ljubljana
Classification: Pathogenic for Breast-ovarian cancer, familial, susceptibility to, 1. Last evaluated: 2020-04-02. Review status: criteria provided, single submitter. Criteria: ACMG Guidelines, 2015. Collection method: clinical testing. Allele origin: germline. Affected: yes. Not counted in ClinVar's aggregate classification.

Consortium of Investigators of Modifiers of BRCA1/2 (CIMBA), c/o University of Cambridge
Classification: Pathogenic for Breast-ovarian cancer, familial, susceptibility to, 2. Last evaluated: 2015-10-02. Review status: criteria provided, single submitter. Criteria: CIMBA Mutation Classification guidelines May 2016. Collection method: clinical testing. Allele origin: germline. Not counted in ClinVar's aggregate classification.

Literature cited by the submitters: PubMed 20104584 (cited by Labcorp Genetics (formerly Invitae), Labcorp); PubMed 21232165 (cited by Labcorp Genetics (formerly Invitae), Labcorp).

NM_000059.4(BRCA2):c.7303C>T (p.Gln2435Ter)

Gene: BRCA2 (BRCA2 DNA repair associated; plus strand). Cytogenetic location: 13q13.1.
Variant type: single nucleotide variant.
Coding change: c.7303C>T on transcript NM_000059.4 (MANE Select); coding-DNA position 7303, C replaced by T.
Protein change: p.Gln2435Ter; replaces glutamine 2435 with a stop codon.
Molecular consequence: nonsense.
Genome position (GRCh38, 1-based): chr13:32,355,156, C>T. VCF-style: chr13-32355156-C-T. GRCh37 (hg19) VCF-style: chr13-32929293-C-T.
Other names: 7531C>T-Gln2435ter; short protein forms Q2435*.
Identifiers: ClinVar variation 52305 (VCV000052305.10), dbSNP rs397507910, ClinGen allele CA025020.